The following is an entry in ClinVar:

NM_020070.4(IGLL1):c.335C>A (p.Ala112Asp)

Gene: IGLL1 (immunoglobulin lambda like polypeptide 1; minus strand). Cytogenetic location: 22q11.23.
Variant type: single nucleotide variant.
Coding change: c.335C>A on transcript NM_020070.4 (MANE Select); coding-DNA position 335, C replaced by A.
Protein change: p.Ala112Asp; replaces alanine 112 with aspartic acid.
Molecular consequence: missense variant. On other transcripts: synonymous variant (1).
Genome position (GRCh38, 1-based): chr22:23,573,573, G>T on the plus strand (C>A on the coding strand, the complement: IGLL1 is on the minus strand). VCF-style: chr22-23573573-G-T. GRCh37 (hg19) VCF-style: chr22-23915760-G-T.
Other names: c.338C>A, p.Ala113Asp (NM_001369906.1); c.219C>A, p.Gly73= (NM_152855.3); short protein forms A112D, A113D.
Identifiers: ClinVar variation 1356613 (VCV001356613.8), dbSNP rs2123696242, ClinGen allele CA410898984.

ClinVar aggregate classification (germline): Uncertain significance (1 of 4 stars; one submission).

Conditions:
Agammaglobulinemia 2, autosomal recessive (AGM2). Also called: AGAMMAGLOBULINEMIA, AUTOSOMAL RECESSIVE, DUE TO IGLL1 DEFECT. Identifiers: MedGen C3150750, MONDO:0013287, OMIM 613500.

Submission:

Labcorp Genetics (formerly Invitae), Labcorp
Classification: Uncertain significance for Agammaglobulinemia 2, autosomal recessive. Last evaluated: 2025-12-05. Review status: criteria provided, single submitter. Criteria: Invitae Variant Classification Sherloc (09022015). Collection method: clinical testing. Allele origin: germline.
Comment: This sequence change replaces alanine, which is neutral and non-polar, with aspartic acid, which is acidic and polar, at codon 112 of the IGLL1 protein (p.Ala112Asp). This variant is not present in population databases (gnomAD no frequency). This variant has not been reported in the literature in individuals affected with IGLL1-related conditions. ClinVar contains an entry for this variant (Variation ID: 1356613). An algorithm developed to predict the effect of missense changes on protein structure and function (PolyPhen-2) suggests that this variant is likely to be tolerated. In summary, the available evidence is currently insufficient to determine the role of this variant in disease. Therefore, it has been classified as a Variant of Uncertain Significance.